The following is an entry in ClinVar:

NM_006767.4(LZTR1):c.1353+2T>C

Gene: LZTR1 (leucine zipper like post translational regulator 1; plus strand). Cytogenetic location: 22q11.21.
Variant type: single nucleotide variant.
Coding change: c.1353+2T>C on transcript NM_006767.4 (MANE Select); the canonical splice donor site of the intron after coding-DNA position 1353, T replaced by C.
Molecular consequence: splice donor variant.
Genome position (GRCh38, 1-based): chr22:20,993,756, T>C. VCF-style: chr22-20993756-T-C. GRCh37 (hg19) VCF-style: chr22-21348045-T-C.
Other names: c.1353+2T>C (NM_006767.3).
Identifiers: ClinVar variation 2886250 (VCV002886250.4), dbSNP rs779146700, ClinGen allele CA410774810.

ClinVar aggregate classification (germline): Conflicting classifications of pathogenicity. Review status: criteria provided, conflicting classifications (1 of 4 stars). 2 submissions from 2 submitters: Likely pathogenic (1); Uncertain significance (1). Last evaluated 2025-03-13.

Conditions:
Hereditary cancer-predisposing syndrome. Also called: Neoplastic Syndromes, Hereditary; Hereditary neoplastic syndrome; Tumor predisposition; Hereditary Cancer Syndrome. Identifiers: Orphanet 140162, MedGen C0027672, MeSH D009386, MONDO:0015356.
Cardiovascular phenotype. Identifiers: MedGen CN230736.

gnomAD v4.1: 5 of 1,611,786 alleles (0.00031%); highest among the groups gnomAD compares: South Asian, 0.0011%; no homozygotes.

Submissions (2):

Ambry Genetics
Classification: Uncertain significance for Cardiovascular phenotype; Hereditary cancer-predisposing syndrome. Last evaluated: 2025-03-13. Review status: criteria provided, single submitter. Criteria: Ambry Variant Classification Scheme 2023. Collection method: clinical testing. Allele origin: germline.
Comment: The c.1353+2T>C intronic variant results from a T to C substitution two nucleotides after coding exon 12 in the LZTR1 gene. This nucleotide position is highly conserved in available vertebrate species. In silico splice site analysis predicts that this alteration will weaken the native splice donor site. Alterations that disrupt the canonical splice site are expected to cause aberrant splicing, resulting in an abnormal protein or a transcript that is subject to nonsense-mediated mRNA decay; however, +2T>C alterations are capable of generating wild-type transcripts in some genomic contexts and should be interpreted with caution (Lin JH et al. Hum Mutat. 2019 10;40:1856-1873). Based on the available evidence, the clinical significance of this alteration remains unclear.

Labcorp Genetics (formerly Invitae), Labcorp
Classification: Likely pathogenic. Last evaluated: 2023-02-16. Review status: criteria provided, single submitter. Criteria: Invitae Variant Classification Sherloc (09022015). Collection method: clinical testing. Allele origin: germline.
Comment: In summary, the currently available evidence indicates that the variant is pathogenic, but additional data are needed to prove that conclusively. Therefore, this variant has been classified as Likely Pathogenic. Algorithms developed to predict the effect of sequence changes on RNA splicing suggest that this variant may disrupt the consensus splice site. This variant has not been reported in the literature in individuals affected with LZTR1-related conditions. This variant is not present in population databases (gnomAD no frequency). This sequence change affects a donor splice site in intron 12 of the LZTR1 gene. It is expected to disrupt RNA splicing. Variants that disrupt the donor or acceptor splice site typically lead to a loss of protein function (PMID: 16199547), and loss-of-function variants in LZTR1 are known to be pathogenic (PMID: 24362817, 25335493, 25480913, 25795793, 29469822, 30368668, 30442762, 30442766, 30481304, 30859559).

Literature cited by the submitters: PubMed 16199547 (cited by Labcorp Genetics (formerly Invitae), Labcorp); PubMed 24362817 (cited by Labcorp Genetics (formerly Invitae), Labcorp); PubMed 25335493 (cited by Labcorp Genetics (formerly Invitae), Labcorp); PubMed 25480913 (cited by Labcorp Genetics (formerly Invitae), Labcorp); PubMed 25795793 (cited by Labcorp Genetics (formerly Invitae), Labcorp); PubMed 29469822 (cited by Labcorp Genetics (formerly Invitae), Labcorp); PubMed 30368668 (cited by Labcorp Genetics (formerly Invitae), Labcorp); PubMed 30442762 (cited by Labcorp Genetics (formerly Invitae), Labcorp); PubMed 30442766 (cited by Labcorp Genetics (formerly Invitae), Labcorp); PubMed 30481304 (cited by Labcorp Genetics (formerly Invitae), Labcorp); PubMed 30859559 (cited by Labcorp Genetics (formerly Invitae), Labcorp).